The following is an entry in ClinVar:

ClinVar aggregate classification (germline): Uncertain significance (1 of 4 stars; one submission).

Allele frequency attached by ClinVar (database versions not stated): gnomAD 0.00001; TOPMed 0.00001.
gnomAD v4.1: 1 of 1,613,766 alleles (0.000062%); highest among the groups gnomAD compares: African/African-American, 0.0013%; no homozygotes.

Submission:

Labcorp Genetics (formerly Invitae), Labcorp
Classification: Uncertain significance. Last evaluated: 2022-02-13. Review status: criteria provided, single submitter. Criteria: Invitae Variant Classification Sherloc (09022015). Collection method: clinical testing. Allele origin: germline.
Comment: This sequence change affects codon 680 of the ADAM9 mRNA. It is a 'silent' change, meaning that it does not change the encoded amino acid sequence of the ADAM9 protein. This variant is not present in population databases (gnomAD no frequency). This variant has not been reported in the literature in individuals affected with ADAM9-related conditions. Algorithms developed to predict the effect of sequence changes on RNA splicing suggest that this variant may create or strengthen a splice site. In summary, the available evidence is currently insufficient to determine the role of this variant in disease. Therefore, it has been classified as a Variant of Uncertain Significance.

NM_003816.3(ADAM9):c.2040A>T (p.Gly680=)

Gene: ADAM9 (ADAM metallopeptidase domain 9; plus strand). Cytogenetic location: 8p11.22.
Variant type: single nucleotide variant.
Coding change: c.2040A>T on transcript NM_003816.3 (MANE Select); coding-DNA position 2040, A replaced by T.
Protein change: p.Gly680=; no amino-acid change (glycine 680 retained).
Molecular consequence: synonymous variant. On other transcripts: non-coding transcript variant (1).
Genome position (GRCh38, 1-based): chr8:39,083,045, A>T. VCF-style: chr8-39083045-A-T. GRCh37 (hg19) VCF-style: chr8-38940564-A-T.
Identifiers: ClinVar variation 2097511 (VCV002097511.4), dbSNP rs1839071366, ClinGen allele CA460507923.